The following is an entry in ClinVar:

NM_005751.5(AKAP9):c.9980A>G (p.Gln3327Arg)

Gene: AKAP9 (A-kinase anchoring protein 9; plus strand). Cytogenetic location: 7q21.2.
Variant type: single nucleotide variant.
Coding change: c.9980A>G on transcript NM_005751.5 (MANE Select); coding-DNA position 9980, A replaced by G.
Protein change: p.Gln3327Arg; replaces glutamine 3327 with arginine.
Molecular consequence: missense variant.
Genome position (GRCh38, 1-based): chr7:92,096,939, A>G. VCF-style: chr7-92096939-A-G. GRCh37 (hg19) VCF-style: chr7-91726253-A-G.
Other names: c.4625A>G, p.Gln1542Arg (NM_001379277.1); c.9956A>G, p.Gln3319Arg (NM_147185.3); short protein forms Q3327R, Q3319R, Q1542R.
Identifiers: ClinVar variation 2913743 (VCV002913743.3), dbSNP rs750223708, ClinGen allele CA4337878.
Genomic context (GRCh38, chr7:92,096,939, plus strand): 5'-TTCGAATTCGGGAAATGAGTAGTACCCTAGATAGGGAGCGGGAATTGCACGCACAGCTGC[A>G]GAGCAGTGATGGTACTGGACAGTCTCGGCCACCCTTGCCCTCAGAGGACCTACTGAAAGA-3'
Protein context (NP_005742.4, residues 3317-3337): DRERELHAQL[Gln3327Arg]SSDGTGQSRP

ClinVar aggregate classification (germline): Uncertain significance (1 of 4 stars; one submission).

Conditions:
Long QT syndrome (LQTS). Identifiers: MedGen C0023976, MeSH D008133, MONDO:0002442. Disease mechanism: loss of function. Inheritance: Various modes of inheritance.

Allele frequency attached by ClinVar (database versions not stated): TOPMed below 0.00001; gnomAD exomes 0.00001; ExAC 0.00002.
gnomAD v4.1: 21 of 1,614,244 alleles (0.0013%); highest among the groups gnomAD compares: South Asian, 0.021%; no homozygotes.

Submission:

Labcorp Genetics (formerly Invitae), Labcorp
Classification: Uncertain significance for Long QT syndrome. Last evaluated: 2023-09-06. Review status: criteria provided, single submitter. Criteria: Invitae Variant Classification Sherloc (09022015). Collection method: clinical testing. Allele origin: germline.
Comment: This sequence change replaces glutamine, which is neutral and polar, with arginine, which is basic and polar, at codon 3327 of the AKAP9 protein (p.Gln3327Arg). This variant is present in population databases (rs750223708, gnomAD 0.01%). This variant has not been reported in the literature in individuals affected with AKAP9-related conditions. An algorithm developed to predict the effect of missense changes on protein structure and function (PolyPhen-2) suggests that this variant is likely to be tolerated. In summary, the available evidence is currently insufficient to determine the role of this variant in disease. Therefore, it has been classified as a Variant of Uncertain Significance.